The following is an entry in ClinVar:

ClinVar aggregate classification (germline): Uncertain significance (1 of 4 stars; one submission).

Conditions:
Immunodeficiency 39 (IMD39). Identifiers: Orphanet 574918, MedGen C4225358, MONDO:0014597, OMIM 616345.

Submission:

Labcorp Genetics (formerly Invitae), Labcorp
Classification: Uncertain significance for Immunodeficiency 39. Last evaluated: 2020-12-24. Review status: criteria provided, single submitter. Criteria: Invitae Variant Classification Sherloc (09022015). Collection method: clinical testing. Allele origin: unknown.
Comment: Experimental studies and prediction algorithms are not available or were not evaluated, and the functional significance of this variant is currently unknown. This variant has not been reported in the literature in individuals with IRF7-related conditions. This variant results in the deletion of exon(s) 2-9 and part of exon 1 (c.158_*13del) of the IRF7 gene. While this deletion is not anticipated to result in nonsense mediated decay, it is expected to create a truncated protein product or disrupt mRNA translation. In summary, the available evidence is currently insufficient to determine the role of this variant in disease. Therefore, it has been classified as a Variant of Uncertain Significance.

NC_000011.9:g.(?_612632)_(615161_?)del

Gene: IRF7 (interferon regulatory factor 7; minus strand). Cytogenetic location: 11p15.5.
Variant type: Deletion.
Identifiers: ClinVar variation 3244678 (VCV003244678.1).